The following is an entry in ClinVar:

NM_001303052.2(MYT1L):c.52C>T (p.Arg18Ter)

Gene: MYT1L (myelin transcription factor 1 like; minus strand). Cytogenetic location: 2p25.3.
Variant type: single nucleotide variant.
Coding change: c.52C>T on transcript NM_001303052.2 (MANE Select); coding-DNA position 52, C replaced by T.
Protein change: p.Arg18Ter; replaces arginine 18 with a stop codon.
Molecular consequence: nonsense.
Genome position (GRCh38, 1-based): chr2:1,979,726, G>A on the plus strand (C>T on the coding strand, the complement: MYT1L is on the minus strand). VCF-style: chr2-1979726-G-A. GRCh37 (hg19) VCF-style: chr2-1983498-G-A.
Other names: c.52C>T, p.Arg18Ter (NM_001329844.2, NM_001329845.1, NM_001329846.3 and 6 more transcripts); short protein forms R18*.
Identifiers: ClinVar variation 916114 (VCV000916114.3), dbSNP rs2060458735, ClinGen allele CA345865059.

ClinVar aggregate classification (germline): Pathogenic. Review status: criteria provided, multiple submitters, no conflicts (2 of 4 stars). 3 submissions from 3 submitters: Pathogenic (3). Last evaluated 2024-07-08.

Conditions:
Intellectual developmental disorder, autosomal dominant 39. Also called: Intellectual disability, autosomal dominant 39; Mental retardation, autosomal dominant 39. Identifiers: MedGen C4225296, MONDO:0014678, OMIM 616521.
MYT1L-related disorder. Also called: MYT1L-related condition.

Submissions (3):

Blueprint Genetics
Classification: Pathogenic for MYT1L-related disorders. Last evaluated: 2024-07-08. Review status: criteria provided, single submitter. Criteria: ACMG Guidelines, 2015. Collection method: clinical testing. Allele origin: de novo. Affected: yes. Observed: 1 variant allele.

MVZ Medizinische Genetik Mainz
Classification: Pathogenic for Intellectual developmental disorder, autosomal dominant 39. Last evaluated: 2023-08-24. Review status: criteria provided, single submitter. Criteria: UK Practice Guidelines For Variant Classification V4 01 2020. Collection method: clinical testing. Allele origin: germline. Inheritance: Autosomal dominant inheritance. Affected: yes. Observed: 1 variant allele.
Comment: ACMG Criteria: PVS1,PM2_SUP

Laboratory of Molecular Genetics (Pr. Bezieau's lab), CHU de Nantes
Classification: Pathogenic. Last evaluated: 2019-11-06. Review status: criteria provided, single submitter. Criteria: ACMG Guidelines, 2015. Collection method: clinical testing. Allele origin: germline. Affected: yes.